The following is an entry in ClinVar:

ClinVar aggregate classification (germline): Uncertain significance (1 of 4 stars; one submission).

Conditions:
Inborn genetic diseases. Identifiers: MedGen C0950123, MeSH D030342.

Submission:

Ambry Genetics
Classification: Uncertain significance for Inborn genetic diseases. Last evaluated: 2022-05-24. Review status: criteria provided, single submitter. Criteria: Ambry Variant Classification Scheme 2023. Collection method: clinical testing. Allele origin: germline.
Comment: The p.Y1527S variant (also known as c.4580A>C), located in coding exon 26 of the ATR gene, results from an A to C substitution at nucleotide position 4580. The tyrosine at codon 1527 is replaced by serine, an amino acid with dissimilar properties. This amino acid position is conserved. In addition, the in silico prediction for this alteration is inconclusive. Since supporting evidence is limited at this time, the clinical significance of this alteration remains unclear.

NM_001184.4(ATR):c.4580A>C (p.Tyr1527Ser)

Gene: ATR (ATR checkpoint kinase; minus strand). Cytogenetic location: 3q23.
Variant type: single nucleotide variant.
Coding change: c.4580A>C on transcript NM_001184.4 (MANE Select); coding-DNA position 4580, A replaced by C.
Protein change: p.Tyr1527Ser; replaces tyrosine 1527 with serine.
Molecular consequence: missense variant.
Genome position (GRCh38, 1-based): chr3:142,513,562, T>G on the plus strand (A>C on the coding strand, the complement: ATR is on the minus strand). VCF-style: chr3-142513562-T-G. GRCh37 (hg19) VCF-style: chr3-142232404-T-G.
Other names: c.4388A>C, p.Tyr1463Ser (NM_001354579.2); short protein forms Y1463S, Y1527S.
Identifiers: ClinVar variation 1741640 (VCV001741640.2), dbSNP rs775209750, ClinGen allele CA354796905.
Genomic context (GRCh38, chr3:142,513,562, plus strand): 5'-TCCTGCTGATCTTCTTGATTACAACCCAGTAAGACATACACCAGAATATGTGGAAGAAGA[T>G]AGATGGTCACTTTGAAATCATGCTTCATCATAATGCTACAGCAGGTGAAAATTTTACTGG-3'
Protein context (NP_001175.2, residues 1517-1537): MMKHDFKVTI[Tyr1527Ser]LLPHILVYVL